The following is an entry in ClinVar:

NM_006767.4(LZTR1):c.985del (p.Asp329fs)

Gene: LZTR1 (leucine zipper like post translational regulator 1; plus strand). Cytogenetic location: 22q11.21.
Variant type: Deletion.
Coding change: c.985del on transcript NM_006767.4 (MANE Select); coding-DNA position 985, one base deleted (G; older notation c.985delG).
Protein change: p.Asp329fs; shifts the reading frame from aspartic acid 329.
Molecular consequence: frameshift variant.
Genome position (GRCh38, 1-based): chr22:20,991,821, G deleted. VCF-style (leftmost placement, unchanged base first): chr22-20991820-CG-C. GRCh37 (hg19) VCF-style: chr22-21346109-CG-C.
Other names: short protein forms D329fs.
Identifiers: ClinVar variation 1768419 (VCV001768419.4), dbSNP rs2518617390, ClinGen allele CA2580099217.
Genomic context (GRCh38, chr22:20,991,820, plus strand): 5'-CAACGAGCTGCACTGCTATGACGTGGACTTCCAGACCTGGGAGGTCGTCCAGCCCAGCTC[CG>C]ACAGCGAGGTGAGGGTGCCCAGGGGTGTCCTGACCTGCCAGCTGGACACCAGTAGCTCCT-3'

ClinVar aggregate classification (germline): Pathogenic. Review status: criteria provided, multiple submitters, no conflicts (2 of 4 stars). 2 submissions from 2 submitters: Pathogenic (2). Last evaluated 2025-12-31.

Conditions:
Cardiovascular phenotype. Identifiers: MedGen CN230736.
Hereditary cancer-predisposing syndrome. Also called: Hereditary Cancer Syndrome; Hereditary neoplastic syndrome; Neoplastic Syndromes, Hereditary; Tumor predisposition. Identifiers: Orphanet 140162, MedGen C0027672, MeSH D009386, MONDO:0015356.

Submissions (2):

Labcorp Genetics (formerly Invitae), Labcorp
Classification: Pathogenic. Last evaluated: 2025-12-31. Review status: criteria provided, single submitter. Criteria: Invitae Variant Classification Sherloc (09022015). Collection method: clinical testing. Allele origin: germline.
Comment: This sequence change creates a premature translational stop signal (p.Asp329Thrfs*22) in the LZTR1 gene. It is expected to result in an absent or disrupted protein product. Loss-of-function variants in LZTR1 are known to be pathogenic (PMID: 24362817, 25335493, 25480913, 25795793, 29469822, 30368668, 30442762, 30442766, 30481304, 30859559). This variant is not present in population databases (gnomAD no frequency). This variant has not been reported in the literature in individuals affected with LZTR1-related conditions. ClinVar contains an entry for this variant (Variation ID: 1768419). For these reasons, this variant has been classified as Pathogenic.

Ambry Genetics
Classification: Pathogenic for Cardiovascular phenotype; Hereditary cancer-predisposing syndrome. Last evaluated: 2021-10-22. Review status: criteria provided, single submitter. Criteria: Ambry Variant Classification Scheme 2023. Collection method: clinical testing. Allele origin: germline.
Comment: The c.985delG variant, located in coding exon 9 of the LZTR1 gene, results from a deletion of one nucleotide at nucleotide position 985, causing a translational frameshift with a predicted alternate stop codon (p.D329Tfs*22). This alteration is expected to result in loss of function by premature protein truncation or nonsense-mediated mRNA decay. Loss-of-function variants in LZTR1 are related to an increased risk for schwannomas and autosomal recessive Noonan syndrome; however, such associations with autosomal dominant Noonan syndrome have not been observed (Piotrowski A et al. Nat Genet. 2014 Feb;46:182-7; Yamamoto GL et al. J Med Genet. 2015 Jun;52:413-21; Johnston JJ et al. Genet Med. 2018 10;20:1175-1185). Based on the supporting evidence, this variant is pathogenic for an increased risk of LZTR1-related schwannomatosis (SWN) and would be expected to cause autosomal recessive Noonan syndrome when present along with a second pathogenic or likely pathogenic variant on the other allele; however, the association of this alteration with autosomal dominant Noonan syndrome is unlikely.

Literature cited by the submitters: PubMed 24362817 (cited by Labcorp Genetics (formerly Invitae), Labcorp); PubMed 25335493 (cited by Labcorp Genetics (formerly Invitae), Labcorp); PubMed 25480913 (cited by Labcorp Genetics (formerly Invitae), Labcorp); PubMed 25795793 (cited by Labcorp Genetics (formerly Invitae), Labcorp); PubMed 29469822 (cited by Labcorp Genetics (formerly Invitae), Labcorp); PubMed 30368668 (cited by Labcorp Genetics (formerly Invitae), Labcorp); PubMed 30442762 (cited by Labcorp Genetics (formerly Invitae), Labcorp); PubMed 30442766 (cited by Labcorp Genetics (formerly Invitae), Labcorp); PubMed 30481304 (cited by Labcorp Genetics (formerly Invitae), Labcorp); PubMed 30859559 (cited by Labcorp Genetics (formerly Invitae), Labcorp).